The following is an entry in ClinVar:

ClinVar aggregate classification (germline): Uncertain significance (1 of 4 stars; one submission).

Conditions:
Hereditary cancer-predisposing syndrome. Also called: Hereditary neoplastic syndrome; Neoplastic Syndromes, Hereditary; Tumor predisposition; Hereditary Cancer Syndrome. Identifiers: Orphanet 140162, MedGen C0027672, MeSH D009386, MONDO:0015356.

Submission:

Ambry Genetics
Classification: Uncertain significance for Hereditary cancer-predisposing syndrome. Last evaluated: 2025-06-27. Review status: criteria provided, single submitter. Criteria: Ambry Variant Classification Scheme 2023. Collection method: clinical testing. Allele origin: germline.
Comment: The p.L1397P variant (also known as c.4190T>C), located in coding exon 23 of the PTCH1 gene, results from a T to C substitution at nucleotide position 4190. The leucine at codon 1397 is replaced by proline, an amino acid with similar properties. This amino acid position is conserved. In addition, this alteration is predicted to be tolerated by in silico analysis. Based on the available evidence, the clinical significance of this variant remains unclear.

NM_000264.5(PTCH1):c.4190T>C (p.Leu1397Pro)

Gene: PTCH1 (patched 1; minus strand). Cytogenetic location: 9q22.32.
Variant type: single nucleotide variant.
Coding change: c.4190T>C on transcript NM_000264.5 (MANE Select); coding-DNA position 4190, T replaced by C.
Protein change: p.Leu1397Pro; replaces leucine 1397 with proline.
Molecular consequence: missense variant. On other transcripts: non-coding transcript variant (1).
Genome position (GRCh38, 1-based): chr9:95,447,066, A>G on the plus strand (T>C on the coding strand, the complement: PTCH1 is on the minus strand). VCF-style: chr9-95447066-A-G. GRCh37 (hg19) VCF-style: chr9-98209348-A-G.
Other names: c.3992T>C, p.Leu1331Pro (NM_001083602.3); c.4187T>C, p.Leu1396Pro (NM_001083603.3); c.3737T>C, p.Leu1246Pro (NM_001083604.3, NM_001083605.3, NM_001083606.3 and 1 more transcripts); c.4034T>C, p.Leu1345Pro (NM_001354918.2); short protein forms L1397P, L1331P, L1345P, L1396P, L1246P.
Identifiers: ClinVar variation 4146848 (VCV004146848.1).